The following is an entry in ClinVar:

NM_182914.3(SYNE2):c.19219G>A (p.Glu6407Lys)

Gene: SYNE2 (spectrin repeat containing nuclear envelope protein 2; plus strand). Cytogenetic location: 14q23.2.
Variant type: single nucleotide variant.
Coding change: c.19219G>A on transcript NM_182914.3 (MANE Select); coding-DNA position 19219, G replaced by A.
Protein change: p.Glu6407Lys; replaces glutamic acid 6407 with lysine.
Molecular consequence: missense variant.
Genome position (GRCh38, 1-based): chr14:64,214,356, G>A. VCF-style: chr14-64214356-G-A. GRCh37 (hg19) VCF-style: chr14-64681074-G-A.
Other names: c.19219G>A, p.Glu6407Lys (NM_015180.6); c.121G>A, p.Glu41Lys (NM_182913.4); short protein forms E41K, E6407K.
Identifiers: ClinVar variation 2857704 (VCV002857704.3), dbSNP rs2550166339, ClinGen allele CA389956634.

ClinVar aggregate classification (germline): Uncertain significance (1 of 4 stars; one submission).

Conditions:
Emery-Dreifuss muscular dystrophy 5, autosomal dominant (EDMD5). Also called: EMERY-DREIFUSS MUSCULAR DYSTROPHY 5. Identifiers: Orphanet 261, MedGen C2751805, MONDO:0013072, OMIM 612999.

Allele frequency attached by ClinVar (database versions not stated): gnomAD exomes 0.00001.
gnomAD v4.1: 8 of 1,614,062 alleles (0.0005%); highest among the groups gnomAD compares: South Asian, 0.0044%; no homozygotes.

Submission:

Labcorp Genetics (formerly Invitae), Labcorp
Classification: Uncertain significance for Emery-Dreifuss muscular dystrophy 5, autosomal dominant. Last evaluated: 2024-01-14. Review status: criteria provided, single submitter. Criteria: Invitae Variant Classification Sherloc (09022015). Collection method: clinical testing. Allele origin: germline.
Comment: This sequence change replaces glutamic acid, which is acidic and polar, with lysine, which is basic and polar, at codon 6407 of the SYNE2 protein (p.Glu6407Lys). This variant is not present in population databases (gnomAD no frequency). This variant has not been reported in the literature in individuals affected with SYNE2-related conditions. An algorithm developed to predict the effect of missense changes on protein structure and function (PolyPhen-2) suggests that this variant is likely to be disruptive. In summary, the available evidence is currently insufficient to determine the role of this variant in disease. Therefore, it has been classified as a Variant of Uncertain Significance.